The following is an entry in ClinVar:

NM_004260.4(RECQL4):c.1018C>T (p.His340Tyr)

Gene: RECQL4 (RecQ like helicase 4; minus strand). Cytogenetic location: 8q24.3.
Variant type: single nucleotide variant.
Coding change: c.1018C>T on transcript NM_004260.4 (MANE Select); coding-DNA position 1018, C replaced by T.
Protein change: p.His340Tyr; replaces histidine 340 with tyrosine.
Molecular consequence: missense variant.
Genome position (GRCh38, 1-based): chr8:144,516,101, G>A on the plus strand (C>T on the coding strand, the complement: RECQL4 is on the minus strand). VCF-style: chr8-144516101-G-A. GRCh37 (hg19) VCF-style: chr8-145741485-G-A.
Other names: c.1018C>T (NM_004260.3); c.1018C>T, p.His340Tyr (NM_001413018.1, NM_001413019.1, NM_001413033.1 and 2 more transcripts); c.-54C>T (NM_001413021.1, NM_001413022.1, NM_001413023.1 and 7 more transcripts); c.889C>T, p.His297Tyr (NM_001413025.1); c.-116C>T (NM_001413027.1, NM_001413030.1, NM_001413031.1 and 2 more transcripts); c.667C>T, p.His223Tyr (NM_001413029.1); c.-323C>T (NM_001413043.1); short protein forms H297Y, H223Y, H340Y.
Identifiers: ClinVar variation 2176767 (VCV002176767.5), dbSNP rs1200616266, ClinGen allele CA372688295.
Genomic context (GRCh38, chr8:144,516,101, plus strand): 5'-GCTTCATGTTGAGCCGTACGTAATTGCCCCTGTCATGGCGGGCCAGCCGAGGGAAGATGT[G>A]CAGGGGGGCTGTGCCCTCAGCCTTCCCAGCCCTAGCTTGACTGGAGGGGCTGAGTCCGTG-3'
Protein context (NP_004251.4, residues 330-350): AGKAEGTAPL[His340Tyr]IFPRLARHDR

ClinVar aggregate classification (germline): Uncertain significance. Review status: criteria provided, multiple submitters, no conflicts (2 of 4 stars). 2 submissions from 2 submitters: Uncertain significance (2). Last evaluated 2025-03-31.

Conditions:
Inborn genetic diseases. Identifiers: MedGen C0950123, MeSH D030342.
Baller-Gerold syndrome (BGS). Also called: CRANIOSYNOSTOSIS WITH RADIAL DEFECTS. Identifiers: Orphanet 1225, MedGen C0265308, MONDO:0009039, OMIM 218600.

Allele frequency attached by ClinVar (database versions not stated): gnomAD exomes below 0.00001; TOPMed below 0.00001; gnomAD 0.00001.
gnomAD v4.1: 3 of 1,612,722 alleles (0.00019%); highest among the groups gnomAD compares: African/African-American, 0.0013%; no homozygotes.

Submissions (2):

Ambry Genetics
Classification: Uncertain significance for Inborn genetic diseases. Last evaluated: 2025-03-31. Review status: criteria provided, single submitter. Criteria: Ambry Variant Classification Scheme 2023. Collection method: clinical testing. Allele origin: germline.
Comment: The p.H340Y variant (also known as c.1018C>T), located in coding exon 5 of the RECQL4 gene, results from a C to T substitution at nucleotide position 1018. The histidine at codon 340 is replaced by tyrosine, an amino acid with similar properties. This amino acid position is conserved. In addition, this alteration is predicted to be tolerated by in silico analysis. Based on the available evidence, the clinical significance of this variant remains unclear.

Labcorp Genetics (formerly Invitae), Labcorp
Classification: Uncertain significance for Baller-Gerold syndrome. Last evaluated: 2023-11-13. Review status: criteria provided, single submitter. Criteria: Invitae Variant Classification Sherloc (09022015). Collection method: clinical testing. Allele origin: germline.
Comment: This sequence change replaces histidine, which is basic and polar, with tyrosine, which is neutral and polar, at codon 340 of the RECQL4 protein (p.His340Tyr). This variant is present in population databases (no rsID available, gnomAD 0.007%). This variant has not been reported in the literature in individuals affected with RECQL4-related conditions. ClinVar contains an entry for this variant (Variation ID: 2176767). Advanced modeling of protein sequence and biophysical properties (such as structural, functional, and spatial information, amino acid conservation, physicochemical variation, residue mobility, and thermodynamic stability) performed at Invitae indicates that this missense variant is not expected to disrupt RECQL4 protein function with a negative predictive value of 80%. In summary, the available evidence is currently insufficient to determine the role of this variant in disease. Therefore, it has been classified as a Variant of Uncertain Significance.